The following is an entry in ClinVar:

ClinVar aggregate classification (germline): Benign (0 of 4 stars; one submission).

Conditions:
MUC16-related disorder. Also called: MUC16-related condition.

Allele frequency attached by ClinVar (database versions not stated): gnomAD exomes 0.05085; ExAC 0.06826; ESP Exome Variant Server 0.08481; 1000 Genomes Project 30x 0.11665; 1000 Genomes Project 0.11921.

Submission:

PreventionGenetics, part of Exact Sciences
Classification: Benign for MUC16-related condition. Last evaluated: 2019-02-28. Review status: no assertion criteria provided. Collection method: clinical testing. Allele origin: germline.
Comment: This variant is classified as benign based on ACMG/AMP sequence variant interpretation guidelines (Richards et al. 2015 PMID: 25741868, with internal and published modifications).

NM_001401501.2(MUC16):c.36915C>T (p.Tyr12305=)

Gene: MUC16 (mucin 16, cell surface associated; minus strand). Cytogenetic location: 19p13.2.
Variant type: single nucleotide variant.
Coding change: c.36915C>T on transcript NM_001401501.2 (MANE Select); coding-DNA position 36915, C replaced by T.
Protein change: p.Tyr12305=; no amino-acid change (tyrosine 12305 retained).
Molecular consequence: synonymous variant.
Genome position (GRCh38, 1-based): chr19:8,915,581, G>A on the plus strand (C>T on the coding strand, the complement: MUC16 is on the minus strand). VCF-style: chr19-8915581-G-A. GRCh37 (hg19) VCF-style: chr19-9026257-G-A.
Other names: c.37341C>T, p.Tyr12447= (NM_001414686.1); c.36795C>T, p.Tyr12265= (NM_001414687.1); c.36729C>T, p.Tyr12243= (NM_024690.2).
Identifiers: ClinVar variation 3060467 (VCV003060467.2), dbSNP rs62118274, ClinGen allele CA9165610.